The following is an entry in ClinVar:

NC_000006.11:g.(?_152652198)_(152658654_?)del

Gene: SYNE1 (spectrin repeat containing nuclear envelope protein 1; minus strand). Cytogenetic location: 6q25.2.
Variant type: Deletion.
Identifiers: ClinVar variation 1345547 (VCV001345547.5).

ClinVar aggregate classification (germline): Likely pathogenic (1 of 4 stars; one submission).

Conditions:
Autosomal recessive ataxia, Beauce type. Also called: SYNE1-Related Autosomal Recessive Cerebellar Ataxia; SYNE1 Deficiency; Spinocerebellar ataxia, autosomal recessive 8; ATAXIA, RECESSIVE, OF BEAUCE. Identifiers: Orphanet 88644, MedGen C1853116, MONDO:0012549, OMIM 610743.
Emery-Dreifuss muscular dystrophy 4, autosomal dominant (EDMD4). Also called: EMERY-DREIFUSS MUSCULAR DYSTROPHY 4 WITH VARIABLE FEATURES. Identifiers: Orphanet 261, MedGen C2751807, MONDO:0013071, OMIM 612998.

Submission:

Labcorp Genetics (formerly Invitae), Labcorp
Classification: Likely pathogenic for Emery-Dreifuss muscular dystrophy 4, autosomal dominant; Autosomal recessive ataxia, Beauce type. Last evaluated: 2022-08-09. Review status: criteria provided, single submitter. Criteria: Invitae Variant Classification Sherloc (09022015). Collection method: clinical testing. Allele origin: germline.
Comment: In summary, the currently available evidence indicates that the variant is pathogenic, but additional data are needed to prove that conclusively. Therefore, this variant has been classified as Likely Pathogenic. This variant has not been reported in the literature in individuals affected with SYNE1-related conditions. This variant results in the deletion of exons 75-76 and part of exon 77 (c.12139-502_13409del) of the SYNE1 gene. It is expected to disrupt RNA splicing. Variants that disrupt the donor or acceptor splice site typically lead to a loss of protein function (PMID: 16199547), and loss-of-function variants in SYNE1 are known to be pathogenic (PMID: 19542096, 24319099, 27086870).

Literature cited by the submitters: PubMed 16199547; PubMed 19542096; PubMed 24319099; PubMed 27086870.